The following is an entry in ClinVar:

ClinVar aggregate classification (germline): Uncertain significance (1 of 4 stars; one submission).

Submission:

ARUP Laboratories, Molecular Genetics and Genomics, ARUP Laboratories
Classification: Uncertain significance. Last evaluated: 2025-03-03. Review status: criteria provided, single submitter. Criteria: ARUP Molecular Germline Variant Investigation Process 2024. Collection method: clinical testing. Allele origin: germline.
Comment: The Hb Lansing variant (HBA2: c.264C>G; p.His88Gln, also known as His87Gln when numbered from the mature protein, rs281864553, HbVar ID: 2759) is reported in individuals with normal hematological indices (de la Fuente-Gonzalo 2019, Ishitsuka 2012, Mounts 2010, Sarikonda 2009, HbVar and references therein). Additionally, many of these individuals were discovered by erroneously decreased pulse oximetry measurements likely due to differences in light absorption between oxygenated Hb Lansing variant and oxygenated Hb A (Ishitsuka 2012, Mounts 2010, Sarikonda 2009). This variant is absent from the Genome Aggregation Database (v2.1.1), indicating it is not a common polymorphism. Computational analyses predict that this variant is deleterious (REVEL: 0.743). Due to limited information, the clinical significance of this variant is uncertain at this time. References: Link to HbVar database: de la Fuente-Gonzalo F et al. Characterization of deletional and non-deletional alpha globin variants in a large cohort from Spain between 2009 and 2014. Ann Hematol. 2019 Jul;98(7):1537-1545. PMID: 31025160. Ishitsuka K et al. First reported case of hemoglobin lansing in Asia detected by false low oxygen saturation on pulse oximetry. Int J Hematol. 2012 Jun;95(6):731-2. PMID: 22639049. Mounts J et al. Apparent desaturation on pulse oximetry because of hemoglobinopathy. Pediatr Emerg Care. 2010 Oct;26(10):748-9. PMID: 20930596. Sarikonda KV et al. Hemoglobin lansing: a novel hemoglobin variant causing falsely decreased oxygen saturation by pulse oximetry. Am J Hematol. 2009 Aug;84(8):541. PMID: 19536848.

NM_000517.6(HBA2):c.264C>G (p.His88Gln)

Genes: HBA2 (hemoglobin subunit alpha 2; plus strand), LOC106804612 (hemoglobin subunit alpha 2 recombination region; plus strand). Cytogenetic location: 16p13.3.
Variant type: single nucleotide variant.
Coding change: c.264C>G on transcript NM_000517.6 (MANE Select); coding-DNA position 264, C replaced by G.
Protein change: p.His88Gln; replaces histidine 88 with glutamine.
Molecular consequence: missense variant.
Genome position (GRCh38, 1-based): chr16:173,293, C>G. VCF-style: chr16-173293-C-G. GRCh37 (hg19) VCF-style: chr16-223292-C-G.
Other names: short protein forms H88Q.
Identifiers: ClinVar variation 4685653 (VCV004685653.1).